The following is an entry in ClinVar:

NM_004055.5(CAPN5):c.722A>T (p.Glu241Val)

Gene: CAPN5 (calpain 5; plus strand). Cytogenetic location: 11q13.5.
Variant type: single nucleotide variant.
Coding change: c.722A>T on transcript NM_004055.5 (MANE Select); coding-DNA position 722, A replaced by T.
Protein change: p.Glu241Val; replaces glutamic acid 241 with valine.
Molecular consequence: missense variant.
Genome position (GRCh38, 1-based): chr11:77,115,417, A>T. VCF-style: chr11-77115417-A-T. GRCh37 (hg19) VCF-style: chr11-76826463-A-T.
Other names: c.722A>T (NM_004055.4); short protein forms E241V.
Identifiers: ClinVar variation 1043406 (VCV001043406.10), dbSNP rs1950456494, ClinGen allele CA381938696.

ClinVar aggregate classification (germline): Uncertain significance. Review status: criteria provided, multiple submitters, no conflicts (2 of 4 stars). 3 submissions from 3 submitters: Uncertain significance (3). Last evaluated 2026-06-03.

Conditions:
Inborn genetic diseases. Identifiers: MedGen C0950123, MeSH D030342.

Submissions (3):

Ambry Genetics
Classification: Uncertain significance for Inborn genetic diseases. Last evaluated: 2026-06-03. Review status: criteria provided, single submitter. Criteria: Ambry Variant Classification Scheme 2023. Collection method: clinical testing. Allele origin: germline.

Labcorp Genetics (formerly Invitae), Labcorp
Classification: Uncertain significance. Last evaluated: 2023-09-20. Review status: criteria provided, single submitter. Criteria: Invitae Variant Classification Sherloc (09022015). Collection method: clinical testing. Allele origin: germline.
Comment: In summary, the available evidence is currently insufficient to determine the role of this variant in disease. Therefore, it has been classified as a Variant of Uncertain Significance. Advanced modeling of protein sequence and biophysical properties (such as structural, functional, and spatial information, amino acid conservation, physicochemical variation, residue mobility, and thermodynamic stability) performed at Invitae indicates that this missense variant is expected to disrupt CAPN5 protein function. ClinVar contains an entry for this variant (Variation ID: 1043406). This variant has not been reported in the literature in individuals affected with CAPN5-related conditions. This variant is not present in population databases (gnomAD no frequency). This sequence change replaces glutamic acid, which is acidic and polar, with valine, which is neutral and non-polar, at codon 241 of the CAPN5 protein (p.Glu241Val).

Blueprint Genetics
Classification: Uncertain significance. Last evaluated: 2021-09-10. Review status: criteria provided, single submitter. Criteria: ACMG Guidelines, 2015. Collection method: clinical testing. Allele origin: germline.